The following is an entry in ClinVar:

ClinVar aggregate classification (germline): Uncertain significance. Review status: criteria provided, multiple submitters, no conflicts (2 of 4 stars). 2 submissions from 2 submitters: Uncertain significance (2). Last evaluated 2024-05-03.

Conditions:
Bardet-Biedl syndrome 14 (BBS14). Identifiers: Orphanet 110, MedGen C2673874, MONDO:0014442, OMIM 615991.
Joubert syndrome 6 (JBTS6). Identifiers: Orphanet 475, MedGen C1853153, MONDO:0012539, OMIM 610688.
RHYNS syndrome. Also called: RETINITIS PIGMENTOSA SYNDROME; RETINITIS PIGMENTOSA, HYPOPITUITARISM, NEPHRONOPHTHISIS, AND MILD SKELETAL DYSPLASIA. Identifiers: Orphanet 140976, MedGen C1865794, MONDO:0011202, OMIM 602152.
Meckel syndrome, type 3 (MKS3). Also called: MECKEL-GRUBER SYNDROME, TYPE 3. Identifiers: Orphanet 564, MedGen C1846357, MONDO:0011821, OMIM 607361.
COACH syndrome 1. Identifiers: Orphanet 1454, MedGen C5435651, MONDO:0800103, OMIM 216360, MONDO:0008996.
Nephronophthisis 11 (NPHP11). Identifiers: Orphanet 84081, MedGen C3150796, MONDO:0013302, OMIM 613550.
Joubert syndrome. Also called: CEREBELLOPARENCHYMAL DISORDER IV; JOUBERT-BOLTSHAUSER SYNDROME; Familial aplasia of the vermis. Identifiers: Orphanet 475, MedGen C5979921, MONDO:0018772.
Meckel-Gruber syndrome. Also called: DYSENCEPHALIA SPLANCHNOCYSTICA; GRUBER SYNDROME; Dysencephalia splachnocystica. Identifiers: Orphanet 564, MedGen C0265215, MONDO:0018921.

Allele frequency attached by ClinVar (database versions not stated): 1000 Genomes Project 30x 0.00016; 1000 Genomes Project 0.00020.
gnomAD v4.1: 9 of 1,612,720 alleles (0.00056%); highest among the groups gnomAD compares: East Asian, 0.02%; no homozygotes.

Submissions (2):

Fulgent Genetics
Classification: Uncertain significance for COACH syndrome 1; RHYNS syndrome; Meckel syndrome, type 3; Joubert syndrome 6; Nephronophthisis 11; Bardet-Biedl syndrome 14. Last evaluated: 2024-05-03. Review status: criteria provided, single submitter. Criteria: ACMG Guidelines, 2015. Collection method: clinical testing. Allele origin: germline.

Labcorp Genetics (formerly Invitae), Labcorp
Classification: Uncertain significance for Joubert syndrome; Meckel-Gruber syndrome. Last evaluated: 2022-09-13. Review status: criteria provided, single submitter. Criteria: Invitae Variant Classification Sherloc (09022015). Collection method: clinical testing. Allele origin: germline.
Comment: This sequence change replaces glutamine, which is neutral and polar, with arginine, which is basic and polar, at codon 231 of the TMEM67 protein (p.Gln231Arg). This variant is present in population databases (rs143495661, gnomAD 0.05%). This variant has not been reported in the literature in individuals affected with TMEM67-related conditions. ClinVar contains an entry for this variant (Variation ID: 1378229). Algorithms developed to predict the effect of missense changes on protein structure and function (SIFT, PolyPhen-2, Align-GVGD) all suggest that this variant is likely to be tolerated. In summary, the available evidence is currently insufficient to determine the role of this variant in disease. Therefore, it has been classified as a Variant of Uncertain Significance.

NM_153704.6(TMEM67):c.692A>G (p.Gln231Arg)

Gene: TMEM67 (transmembrane protein 67; plus strand). Cytogenetic location: 8q22.1.
Variant type: single nucleotide variant.
Coding change: c.692A>G on transcript NM_153704.6 (MANE Select); coding-DNA position 692, A replaced by G.
Protein change: p.Gln231Arg; replaces glutamine 231 with arginine.
Molecular consequence: missense variant. On other transcripts: non-coding transcript variant (1).
Genome position (GRCh38, 1-based): chr8:93,772,629, A>G. VCF-style: chr8-93772629-A-G. GRCh37 (hg19) VCF-style: chr8-94784857-A-G.
Other names: c.449A>G, p.Gln150Arg (NM_001142301.1); short protein forms Q231R, Q150R.
Identifiers: ClinVar variation 1378229 (VCV001378229.7), dbSNP rs143495661, ClinGen allele CA4807746.